The following is an entry in ClinVar:

NM_003239.5(TGFB3):c.755-38T>C

Gene: TGFB3 (transforming growth factor beta 3; minus strand). Cytogenetic location: 14q24.3.
Variant type: single nucleotide variant.
Coding change: c.755-38T>C on transcript NM_003239.5 (MANE Select); 38 bases into the intron before coding-DNA position 755, T replaced by C.
Molecular consequence: intron variant.
Genome position (GRCh38, 1-based): chr14:75,963,525, A>G on the plus strand (T>C on the coding strand, the complement: TGFB3 is on the minus strand). VCF-style: chr14-75963525-A-G. GRCh37 (hg19) VCF-style: chr14-76429868-A-G.
Other names: c.755-38T>C (NM_001329939.2, NM_001329938.2).
Identifiers: ClinVar variation 674788 (VCV000674788.2), dbSNP rs3917200, ClinGen allele CA7280352.
Genomic context (GRCh38, chr14:75,963,525, plus strand): 5'-ATGGTCATCCTCATTGTCCACGCCTGAAGAAGGGAAGGAAAGTGACAATCTCCTGTCTGA[A>G]GAGAGCAGAGCCCTTGGAGGCTGCCTCCTCCACACGCCCCATCACTGCCCAGGAGGAGGG-3'

ClinVar aggregate classification (germline): Benign. Review status: criteria provided, multiple submitters, no conflicts (2 of 4 stars). 2 submissions from 2 submitters: Benign (2). Last evaluated 2018-06-14.

Allele frequency attached by ClinVar (database versions not stated): gnomAD exomes 0.08341 and 0.09212; ExAC 0.09666; gnomAD 0.13845 and 0.14180; TOPMed 0.14574; 1000 Genomes Project 0.14617; ESP Exome Variant Server 0.14632; 1000 Genomes Project 30x 0.14850.
gnomAD v4.1: 143,556 of 1,613,214 alleles (8.9%); highest among the groups gnomAD compares: African/African-American, 30%; 8,619 homozygotes.

Submissions (2):

GeneDx
Classification: Benign. Last evaluated: 2018-06-14. Review status: criteria provided, single submitter. Criteria: GeneDx Variant Classification (06012015). Collection method: clinical testing. Allele origin: germline. Affected: yes.
Comment: This variant is considered likely benign or benign based on one or more of the following criteria: it is a conservative change, it occurs at a poorly conserved position in the protein, it is predicted to be benign by multiple in silico algorithms, and/or has population frequency not consistent with disease.

Breakthrough Genomics
Classification: Benign. Review status: criteria provided, single submitter. Criteria: ACMG Guidelines, 2015. Collection method: not provided. Allele origin: germline. Inheritance: Autosomal dominant inheritance. Affected: yes.